The following is an entry in ClinVar:

NM_003128.3(SPTBN1):c.4286T>C (p.Met1429Thr)

Gene: SPTBN1 (spectrin beta, non-erythrocytic 1; plus strand). Cytogenetic location: 2p16.2.
Variant type: single nucleotide variant.
Coding change: c.4286T>C on transcript NM_003128.3 (MANE Select); coding-DNA position 4286, T replaced by C.
Protein change: p.Met1429Thr; replaces methionine 1429 with threonine.
Molecular consequence: missense variant.
Genome position (GRCh38, 1-based): chr2:54,645,245, T>C. VCF-style: chr2-54645245-T-C. GRCh37 (hg19) VCF-style: chr2-54872382-T-C.
Other names: c.4247T>C, p.Met1416Thr (NM_178313.3); short protein forms M1416T, M1429T.
Identifiers: ClinVar variation 3602373 (VCV003602373.1).

ClinVar aggregate classification (germline): Uncertain significance (1 of 4 stars; one submission).

Submission:

GeneDx
Classification: Uncertain significance. Last evaluated: 2024-07-25. Review status: criteria provided, single submitter. Criteria: GeneDx Variant Classification Process June 2021. Collection method: clinical testing. Allele origin: germline. Affected: yes.
Comment: Not observed at significant frequency in large population cohorts (gnomAD); In silico analysis supports that this missense variant has a deleterious effect on protein structure/function; Has not been previously published as pathogenic or benign to our knowledge